The following is an entry in ClinVar:

NC_000009.12:g.35657991C>T

Gene: RMRP (RNA component of mitochondrial RNA processing endoribonuclease; minus strand). Cytogenetic location: 9p13.3.
Variant type: single nucleotide variant.
Genome position: GRCh38 VCF-style: chr9-35657991-C-T. GRCh37 (hg19) VCF-style: chr9-35657988-C-T.
Identifiers: ClinVar variation 1016318 (VCV001016318.5), dbSNP rs748623920, ClinGen allele CA192745713.

ClinVar aggregate classification (germline): Uncertain significance (1 of 4 stars; one submission).

Conditions:
Anauxetic dysplasia. Identifiers: Orphanet 93347, MedGen C1846796, MONDO:0011773.

Allele frequency attached by ClinVar (database versions not stated): TOPMed below 0.00001; gnomAD 0.00001.
gnomAD v4.1: 2 of 699,442 alleles (0.00029%); highest among the groups gnomAD compares: African/African-American, 0.0035%; no homozygotes.

Submission:

Labcorp Genetics (formerly Invitae), Labcorp
Classification: Uncertain significance for Anauxetic dysplasia. Last evaluated: 2025-06-09. Review status: criteria provided, single submitter. Criteria: Invitae Variant Classification Sherloc (09022015). Collection method: clinical testing. Allele origin: germline.
Comment: This variant occurs in the RMRP gene, which encodes an RNA molecule that does not result in a protein product. The frequency data for this variant in the population databases is considered unreliable, as metrics indicate poor data quality at this position in the gnomAD database. This variant has been observed in individual(s) with cartilage-hair hypoplasia (PMID: 21570718). This variant is also known as g.27G>A. ClinVar contains an entry for this variant (Variation ID: 1016318). Experimental studies and prediction algorithms are not available or were not evaluated, and the functional significance of this variant is currently unknown. In summary, the available evidence is currently insufficient to determine the role of this variant in disease. Therefore, it has been classified as a Variant of Uncertain Significance.

Literature cited by the submitters: PubMed 21570718.